The following is an entry in ClinVar:

ClinVar aggregate classification (germline): Benign/Likely benign. Review status: criteria provided, multiple submitters, no conflicts (2 of 4 stars). 5 submissions from 5 submitters: Benign (1); Likely benign (4). Last evaluated 2024-05-31.

Conditions:
Hereditary cancer-predisposing syndrome. Also called: Tumor predisposition; Neoplastic Syndromes, Hereditary; Hereditary neoplastic syndrome; Hereditary Cancer Syndrome. Identifiers: Orphanet 140162, MedGen C0027672, MeSH D009386, MONDO:0015356.
Classic or attenuated familial adenomatous polyposis. Identifiers: MedGen CN372698, MONDO:0021057.
Familial adenomatous polyposis 1 (FAP1). Also called: POLYPOSIS, ADENOMATOUS INTESTINAL; FAMILIAL ADENOMATOUS POLYPOSIS 1, ATTENUATED. Identifiers: MedGen C2713442, MONDO:0021056, OMIM 175100. Disease mechanism: loss of function.

Allele frequency attached by ClinVar (database versions not stated): gnomAD exomes below 0.00001.
gnomAD v4.1: 3 of 1,614,018 alleles (0.00019%); highest among the groups gnomAD compares: Non-Finnish European, 0.00017%; no homozygotes.

Submissions (5):

Labcorp Genetics (formerly Invitae), Labcorp
Classification: Likely benign for Familial adenomatous polyposis 1. Last evaluated: 2024-05-31. Review status: criteria provided, single submitter. Criteria: Invitae Variant Classification Sherloc (09022015). Collection method: clinical testing. Allele origin: germline.

Myriad Genetics, Inc.
Classification: Benign for Familial adenomatous polyposis 1. Last evaluated: 2024-04-05. Review status: criteria provided, single submitter. Criteria: Myriad Autosomal Dominant, Autosomal Recessive and X-Linked Classification Criteria (2023). Collection method: clinical testing. Allele origin: unknown.
Comment: This variant is considered benign. This variant is a silent/synonymous amino acid change and it is not expected to impact splicing.

Ambry Genetics
Classification: Likely benign for Hereditary cancer-predisposing syndrome. Last evaluated: 2023-12-15. Review status: criteria provided, single submitter. Criteria: Ambry Variant Classification Scheme 2023. Collection method: clinical testing. Allele origin: germline.

All of Us Research Program, National Institutes of Health
Classification: Likely benign for Classic or attenuated familial adenomatous polyposis. Last evaluated: 2023-07-07. Review status: criteria provided, single submitter. Criteria: ACMG Guidelines, 2015. Collection method: clinical testing. Allele origin: germline. Inheritance: Autosomal dominant inheritance. Observed: 2 variant alleles, 2 heterozygotes.
Comment: This study involves interpretation of variants in research participants for the purpose of population health screening. Participant phenotype was not available at the time of variant classification. Additional details can be found in publication PMID: 35346344, PMCID: PMC8962531

Color Diagnostics, LLC DBA Color Health
Classification: Likely benign for Hereditary cancer-predisposing syndrome. Last evaluated: 2018-02-22. Review status: criteria provided, single submitter. Criteria: ACMG Guidelines, 2015. Collection method: clinical testing. Allele origin: germline.

NM_000038.6(APC):c.6780C>T (p.Ser2260=)

Gene: APC (APC regulator of Wnt signaling pathway; plus strand). Cytogenetic location: 5q22.2.
Variant type: single nucleotide variant.
Coding change: c.6780C>T on transcript NM_000038.6 (MANE Select); coding-DNA position 6780, C replaced by T.
Protein change: p.Ser2260=; no amino-acid change (serine 2260 retained).
Molecular consequence: synonymous variant.
Genome position (GRCh38, 1-based): chr5:112,842,374, C>T. VCF-style: chr5-112842374-C-T. GRCh37 (hg19) VCF-style: chr5-112178071-C-T.
Other names: c.6780C>T, p.Ser2260= (NM_001127510.3, NM_001354895.2); c.6726C>T, p.Ser2242= (NM_001127511.3); c.6834C>T, p.Ser2278= (NM_001354896.2); c.6810C>T, p.Ser2270= (NM_001354897.2); c.6705C>T, p.Ser2235= (NM_001354898.2); c.6696C>T, p.Ser2232= (NM_001354899.2); c.6657C>T, p.Ser2219= (NM_001354900.2); c.6603C>T, p.Ser2201= (NM_001354901.2); and 5 more.
Identifiers: ClinVar variation 631388 (VCV000631388.17), dbSNP rs1170405641, ClinGen allele CA446210007.